The following is an entry in ClinVar:

ClinVar aggregate classification (germline): Uncertain significance (1 of 4 stars; one submission).

Conditions:
DICER1-related tumor predisposition. Also called: DICER1-related pleuropulmonary blastoma cancer predisposition syndrome; DICER1 syndrome. Identifiers: Orphanet 284343, MedGen C3839822, MONDO:0100216.

Submission:

Labcorp Genetics (formerly Invitae), Labcorp
Classification: Uncertain significance for DICER1-related tumor predisposition. Last evaluated: 2023-10-04. Review status: criteria provided, single submitter. Criteria: Invitae Variant Classification Sherloc (09022015). Collection method: clinical testing. Allele origin: germline.
Comment: This variant, c.181_183dup, results in the insertion of 1 amino acid(s) of the DICER1 protein (p.Ile61dup), but otherwise preserves the integrity of the reading frame. This variant is not present in population databases (gnomAD no frequency). This variant has not been reported in the literature in individuals affected with DICER1-related conditions. ClinVar contains an entry for this variant (Variation ID: 1365131). Experimental studies and prediction algorithms are not available or were not evaluated, and the functional significance of this variant is currently unknown. In summary, the available evidence is currently insufficient to determine the role of this variant in disease. Therefore, it has been classified as a Variant of Uncertain Significance.

NM_177438.3(DICER1):c.181_183dup (p.Ile61dup)

Gene: DICER1 (dicer 1, ribonuclease III; minus strand). Cytogenetic location: 14q32.13.
Variant type: Duplication.
Coding change: c.181_183dup on transcript NM_177438.3 (MANE Select); coding-DNA positions 181 to 183, 3 bases duplicated (ATC; older notation c.181_183dupATC).
Protein change: p.Ile61dup; duplicates isoleucine 61.
Molecular consequence: inframe insertion.
Genome position (GRCh38, 1-based): chr14:95,132,639-95,132,641, GAT duplicated on the plus strand (ATC on the coding strand, the reverse complement: DICER1 is on the minus strand); duplicating any 3 consecutive bases within chr14:95,132,639-95,132,642 gives the same sequence; the c. name uses the placement nearest the transcript's 3' end. VCF-style (leftmost placement, unchanged base first): chr14-95132638-C-CGAT. GRCh37 (hg19) VCF-style: chr14-95598975-C-CGAT.
Other names: c.181_183dup, p.Ile61dup (NM_001195573.1, NM_001271282.3, NM_001291628.2 and 1 more transcripts).
Identifiers: ClinVar variation 1365131 (VCV001365131.9), dbSNP rs2140288864, ClinGen allele CA2573150338.
Genomic context (GRCh38, chr14:95,132,638, plus strand): 5'-ACAGCTCTTTAGTGAGTAGTACTGCAATAAATGTCTTCCCTGAGCCAGTGTTTAAACAGA[C>CGAT]GATGGTATTATGATCCAGAGCTGCTTCAAGCAGTTCAACCTAGAAACATGGTGAAAAAAA-3'